The following continues an entry in ClinVar:

NM_000256.3(MYBPC3):c.3490+1G>T

Gene: MYBPC3. ClinVar aggregate classification (germline): Pathogenic/Likely pathogenic. Pathogenic (9); Likely pathogenic (1).

Submissions 9 to 12 of 12:

Illumina Laboratory Services, Illumina
Classification: Likely pathogenic for MYBPC3-Related Disorders. Last evaluated: 2018-10-08. Review status: criteria provided, single submitter. Criteria: ICSL Variant Classification Criteria 09 May 2019. Collection method: clinical testing. Allele origin: germline.
Comment: The MYBPC3 c.3490+1G>T variant occurs in a canonical splice site (donor) and is therefore predicted to disrupt or distort the normal gene product. The c.3490+1G>T variant has been reported in two studies in which it is found in a total of seven individuals, including six individuals with either dilated or hypertrophic cardiomyopathy from the same family (Zeller et al. 2006; Ehlermann et al. 2008). The variant was not found among 430 control individuals with normal systolic and diastolic function, nor was it found in the 1000 Genomes Project, the Exome Sequencing Project, the Exome Aggregation Consortium, or the Genome Aggregation Database (Ehlermann et al. 2008). Based on the evidence including the potential impact of splice donor variants, the c.3490+1G>T variant is classified as likely pathogenic for MYBPC3-related disorders. This variant was observed by ICSL as part of a predisposition screen in an ostensibly healthy population.

Agnes Ginges Centre for Molecular Cardiology, Centenary Institute
Classification: Pathogenic for Hypertrophic cardiomyopathy 4. Last evaluated: 2018-10-04. Review status: criteria provided, single submitter. Criteria: ACMG Guidelines, 2015. Collection method: research. Allele origin: germline. Inheritance: Autosomal dominant inheritance. Affected: yes.
Comment: This variant has been identified as part of our research program. Refer to the 'condition' field for the phenotype of the proband(s) identified with this variant. For further information please feel free to contact us.

Clinical Genetics DNA and cytogenetics Diagnostics Lab, Erasmus MC, Erasmus Medical Center
Classification: Pathogenic. Review status: no assertion criteria provided. Collection method: clinical testing. Allele origin: germline. Affected: yes. Study: VKGL Data-share Consensus. Not counted in ClinVar's aggregate classification.

Joint Genome Diagnostic Labs from Nijmegen and Maastricht, Radboudumc and MUMC+
Classification: Likely pathogenic. Review status: no assertion criteria provided. Collection method: clinical testing. Allele origin: germline. Affected: yes. Study: VKGL Data-share Consensus. Not counted in ClinVar's aggregate classification.

Literature cited by the submitters: PubMed 16199547 (cited by Labcorp Genetics (formerly Invitae), Labcorp); PubMed 19574547 (cited by Labcorp Genetics (formerly Invitae), Labcorp); PubMed 16715312 (cited by 7 submitters); PubMed 28615295 (cited by 5 submitters); PubMed 29121657 (cited by 4 submitters); PubMed 18957093 (cited by 6 submitters); PubMed 20215591 (cited by 3 submitters); PubMed 30297972 (cited by All of Us Research Program, National Institutes of Health and Color Diagnostics, LLC DBA Color Health); PubMed 32841044 (cited by All of Us Research Program, National Institutes of Health and Color Diagnostics, LLC DBA Color Health); PubMed 33495596 (cited by All of Us Research Program, National Institutes of Health and Color Diagnostics, LLC DBA Color Health); PubMed 33495597 (cited by All of Us Research Program, National Institutes of Health and Color Diagnostics, LLC DBA Color Health); PubMed 34694434 (cited by All of Us Research Program, National Institutes of Health and Color Diagnostics, LLC DBA Color Health); PubMed 35176171 (cited by All of Us Research Program, National Institutes of Health and Color Diagnostics, LLC DBA Color Health); PubMed 35581268 (cited by All of Us Research Program, National Institutes of Health and Color Diagnostics, LLC DBA Color Health); PubMed 37937352 (cited by All of Us Research Program, National Institutes of Health and Color Diagnostics, LLC DBA Color Health); PubMed 38757491 (cited by All of Us Research Program, National Institutes of Health and Color Diagnostics, LLC DBA Color Health); PubMed 25163546 (cited by Ambry Genetics); PubMed 17947214 (cited by Women's Health and Genetics/Laboratory Corporation of America, LabCorp).